The following is an entry in ClinVar:

NM_020822.3(KCNT1):c.2431G>A (p.Gly811Ser)

Gene: KCNT1 (potassium sodium-activated channel subfamily T member 1; plus strand). Cytogenetic location: 9q34.3.
Variant type: single nucleotide variant.
Coding change: c.2431G>A on transcript NM_020822.3 (MANE Select); coding-DNA position 2431, G replaced by A.
Protein change: p.Gly811Ser; replaces glycine 811 with serine.
Molecular consequence: missense variant.
Genome position (GRCh38, 1-based): chr9:135,777,419, G>A. VCF-style: chr9-135777419-G-A. GRCh37 (hg19) VCF-style: chr9-138669265-G-A.
Other names: c.2296G>A, p.Gly766Ser (NM_001272003.2); short protein forms G766S, G811S.
Identifiers: ClinVar variation 1309769 (VCV001309769.8), dbSNP rs748756591, ClinGen allele CA5327305.
Genomic context (GRCh38, chr9:135,777,419, plus strand): 5'-GAAGACGCCAAGGCCTACGGGTTCAAGAACAAGCTGATCATCGTCTCGGCAGAGACGGCC[G>A]GCAATGGGCTGTACAACTTCATCGTGCCACTGCGGGCCTACTACAGATCCCGCAAGGAGC-3'
Protein context (NP_065873.2, residues 801-821): KLIIVSAETA[Gly811Ser]NGLYNFIVPL

ClinVar aggregate classification (germline): Uncertain significance. Review status: criteria provided, multiple submitters, no conflicts (2 of 4 stars). 3 submissions from 3 submitters: Uncertain significance (3). Last evaluated 2023-12-16.

Conditions:
Developmental and epileptic encephalopathy, 14 (DEE14). Also called: Early infantile epileptic encephalopathy 14. Identifiers: Orphanet 293181, MedGen C3554195, MONDO:0013989, OMIM 614959.
Autosomal dominant nocturnal frontal lobe epilepsy 5. Also called: KCNT1-Related Epilepsy; CILIARY DYSKINESIA, PRIMARY, 28, WITHOUT SITUS INVERSUS; CILIARY DYSKINESIA, PRIMARY, 28, WITH SITUS INVERSUS; Epilepsy, nocturnal frontal lobe, 5. Identifiers: Orphanet 98784, MedGen C3554306, MONDO:0014002, OMIM 615005.
Inborn genetic diseases. Identifiers: MedGen C0950123, MeSH D030342.

Allele frequency attached by ClinVar (database versions not stated): ExAC 0.00001; gnomAD 0.00001; gnomAD exomes 0.00001; TOPMed 0.00001.
gnomAD v4.1: 22 of 1,613,422 alleles (0.0014%); highest among the groups gnomAD compares: Middle Eastern, 0.016%; no homozygotes.

Submissions (3):

Labcorp Genetics (formerly Invitae), Labcorp
Classification: Uncertain significance for Autosomal dominant nocturnal frontal lobe epilepsy 5; Developmental and epileptic encephalopathy, 14. Last evaluated: 2023-12-16. Review status: criteria provided, single submitter. Criteria: Invitae Variant Classification Sherloc (09022015). Collection method: clinical testing. Allele origin: germline.
Comment: This sequence change replaces glycine, which is neutral and non-polar, with serine, which is neutral and polar, at codon 811 of the KCNT1 protein (p.Gly811Ser). This variant is present in population databases (rs748756591, gnomAD 0.003%). This variant has not been reported in the literature in individuals affected with KCNT1-related conditions. ClinVar contains an entry for this variant (Variation ID: 1309769). Advanced modeling of protein sequence and biophysical properties (such as structural, functional, and spatial information, amino acid conservation, physicochemical variation, residue mobility, and thermodynamic stability) performed at Invitae indicates that this missense variant is not expected to disrupt KCNT1 protein function with a negative predictive value of 80%. In summary, the available evidence is currently insufficient to determine the role of this variant in disease. Therefore, it has been classified as a Variant of Uncertain Significance.

Ambry Genetics
Classification: Uncertain significance for Inborn genetic diseases. Last evaluated: 2023-12-12. Review status: criteria provided, single submitter. Criteria: Ambry Variant Classification Scheme 2023. Collection method: clinical testing. Allele origin: germline.

GeneDx
Classification: Uncertain significance. Last evaluated: 2022-03-07. Review status: criteria provided, single submitter. Criteria: GeneDx Variant Classification Process June 2021. Collection method: clinical testing. Allele origin: germline. Affected: yes.
Comment: In silico analysis supports that this missense variant has a deleterious effect on protein structure/function; Has not been previously published as pathogenic or benign to our knowledge